The following is an entry in ClinVar:

ClinVar aggregate classification (germline): Benign (1 of 4 stars; one submission).

Allele frequency attached by ClinVar (database versions not stated): 1000 Genomes Project 0.34924; 1000 Genomes Project 30x 0.35181; TOPMed 0.35419; gnomAD 0.35789 and 0.35931.
gnomAD v4.1: 54,353 of 151,950 alleles (36%); highest among the groups gnomAD compares: South Asian, 46%; 10,174 homozygotes.

Submission:

GeneDx
Classification: Benign. Last evaluated: 2018-06-14. Review status: criteria provided, single submitter. Criteria: GeneDx Variant Classification (06012015). Collection method: clinical testing. Allele origin: germline. Affected: yes.
Comment: This variant is considered likely benign or benign based on one or more of the following criteria: it is a conservative change, it occurs at a poorly conserved position in the protein, it is predicted to be benign by multiple in silico algorithms, and/or has population frequency not consistent with disease.

NM_001199397.3(NEK1):c.3848-198C>T

Gene: NEK1 (NIMA related kinase 1; minus strand). Cytogenetic location: 4q33.
Variant type: single nucleotide variant.
Coding change: c.3848-198C>T on transcript NM_001199397.3 (MANE Select); 198 bases into the intron before coding-DNA position 3848, C replaced by T.
Molecular consequence: intron variant.
Genome position (GRCh38, 1-based): chr4:169,394,721, G>A on the plus strand (C>T on the coding strand, the complement: NEK1 is on the minus strand). VCF-style: chr4-169394721-G-A. GRCh37 (hg19) VCF-style: chr4-170315872-G-A.
Other names: c.3365-198C>T (NM_001374421.1); c.3713-198C>T (NM_001374420.1); c.3557-198C>T (NM_001199399.3); c.3716-198C>T (NM_001199398.3); c.3764-198C>T (NM_001374419.1, NM_012224.4); c.3632-198C>T (NM_001199400.3); c.3848-198C>T (NM_001374418.1).
Identifiers: ClinVar variation 667932 (VCV000667932.1), dbSNP rs13131146, ClinGen allele CA110542692.